The following is an entry in ClinVar:

ClinVar aggregate classification (germline): Uncertain significance (1 of 4 stars; one submission).

Conditions:
Ehlers-Danlos syndrome, type 4 (EDSVASC). Also called: Ehlers-Danlos Syndrome Type IV; Ehlers-Danlos syndrome vascular type; Ehlers Danlos syndrome, ecchymotic type; Ehlers Danlos syndrome, arterial type; Ehlers Danlos syndrome, Sack-Barabas type. Identifiers: Orphanet 286, MedGen C0268338, MONDO:0017314, OMIM 130050.

Submission:

Labcorp Genetics (formerly Invitae), Labcorp
Classification: Uncertain significance for Ehlers-Danlos syndrome, type 4. Last evaluated: 2023-10-03. Review status: criteria provided, single submitter. Criteria: Invitae Variant Classification Sherloc (09022015). Collection method: clinical testing. Allele origin: germline.
Comment: This variant, c.962_963insAAATGACGGTGCTCGAGG, results in the insertion of 6 amino acid(s) of the COL3A1 protein (p.Asn322_Gly327dup), but otherwise preserves the integrity of the reading frame. This variant is not present in population databases (gnomAD no frequency). This variant has not been reported in the literature in individuals affected with COL3A1-related conditions. Experimental studies and prediction algorithms are not available or were not evaluated, and the functional significance of this variant is currently unknown. In summary, the available evidence is currently insufficient to determine the role of this variant in disease. Therefore, it has been classified as a Variant of Uncertain Significance.

NM_000090.4(COL3A1):c.962_963insAAATGACGGTGCTCGAGG (p.Gly327_Ser328insAsnAspGlyAlaArgGly)

Gene: COL3A1 (collagen type III alpha 1 chain; plus strand). Cytogenetic location: 2q32.2.
Variant type: Insertion.
Coding change: c.962_963insAAATGACGGTGCTCGAGG on transcript NM_000090.4 (MANE Select); coding-DNA positions 962 to 963, AAATGACGGTGCTCGAGG inserted.
Protein change: p.Gly327_Ser328insAsnAspGlyAlaArgGly.
Molecular consequence: inframe insertion.
Genome position: GRCh38 VCF-style: chr2-188992192-G-GGGAAATGACGGTGCTCGA. GRCh37 (hg19) VCF-style: chr2-189856918-G-GGGAAATGACGGTGCTCGA.
Identifiers: ClinVar variation 2738228 (VCV002738228.3), dbSNP rs2469123149, ClinGen allele CA2697551443.